The following is an entry in ClinVar:

ClinVar aggregate classification (germline): Uncertain significance. Review status: criteria provided, single submitter (1 of 4 stars). 2 submissions from 2 submitters: Uncertain significance (1). 1 of the submissions does not count toward it. Last evaluated 2022-08-15.

Conditions:
Retinal dystrophy. Also called: Inherited retinal dystrophy. Identifiers: Orphanet 71862, MedGen C0854723, MeSH D058499, MONDO:0019118, HP:0000556.

gnomAD v4.1: 21 of 1,614,108 alleles (0.0013%); highest among the groups gnomAD compares: Admixed American, 0.005%; no homozygotes.

Submissions (2):

Labcorp Genetics (formerly Invitae), Labcorp
Classification: Uncertain significance. Last evaluated: 2022-08-15. Review status: criteria provided, single submitter. Criteria: Invitae Variant Classification Sherloc (09022015). Collection method: clinical testing. Allele origin: germline.
Comment: This sequence change replaces valine, which is neutral and non-polar, with methionine, which is neutral and non-polar, at codon 619 of the CDHR1 protein (p.Val619Met). This variant is present in population databases (rs115388824, gnomAD 0.004%). This variant has not been reported in the literature in individuals affected with CDHR1-related conditions. ClinVar contains an entry for this variant (Variation ID: 1357362). Advanced modeling of protein sequence and biophysical properties (such as structural, functional, and spatial information, amino acid conservation, physicochemical variation, residue mobility, and thermodynamic stability) performed at Invitae indicates that this missense variant is not expected to disrupt CDHR1 protein function. In summary, the available evidence is currently insufficient to determine the role of this variant in disease. Therefore, it has been classified as a Variant of Uncertain Significance.

Institute of Human Genetics, Univ. Regensburg, Univ. Regensburg
Classification: Uncertain significance for Retinal dystrophy. Last evaluated: 2017-01-01. Review status: no assertion criteria provided. Criteria: ACMG Guidelines, 2015. Collection method: clinical testing. Allele origin: germline. Affected: yes. Not counted in ClinVar's aggregate classification.

NM_033100.4(CDHR1):c.1855G>A (p.Val619Met)

Gene: CDHR1 (cadherin related family member 1; plus strand). Cytogenetic location: 10q23.1.
Variant type: single nucleotide variant.
Coding change: c.1855G>A on transcript NM_033100.4 (MANE Select); coding-DNA position 1855, G replaced by A.
Protein change: p.Val619Met; replaces valine 619 with methionine.
Molecular consequence: missense variant.
Genome position (GRCh38, 1-based): chr10:84,213,163, G>A. VCF-style: chr10-84213163-G-A. GRCh37 (hg19) VCF-style: chr10-85972919-G-A.
Other names: c.1855G>A, p.Val619Met (NM_001171971.3); short protein forms V619M.
Identifiers: ClinVar variation 1357362 (VCV001357362.4), dbSNP rs115388824, ClinGen allele CA5580074.